The following is an entry in ClinVar:

ClinVar aggregate classification (germline): Likely benign (1 of 4 stars; one submission).

Conditions:
ADAMTS9-related disorder. Also called: ADAMTS9-related condition.

gnomAD v4.1: 36 of 1,613,822 alleles (0.0022%); highest among the groups gnomAD compares: Admixed American, 0.0033%; no homozygotes.

Submission:

PreventionGenetics, part of Exact Sciences
Classification: Likely benign for ADAMTS9-related condition. Last evaluated: 2024-10-16. Review status: criteria provided, single submitter. Criteria: ACMG Guidelines, 2015. Collection method: clinical testing. Allele origin: germline.
Comment: This variant is classified as likely benign based on ACMG/AMP sequence variant interpretation guidelines (Richards et al. 2015 PMID: 25741868, with internal and published modifications).

NM_182920.2(ADAMTS9):c.1560A>G (p.Gln520=)

Gene: ADAMTS9 (ADAM metallopeptidase with thrombospondin type 1 motif 9; minus strand). Cytogenetic location: 3p14.1.
Variant type: single nucleotide variant.
Coding change: c.1560A>G on transcript NM_182920.2 (MANE Select); coding-DNA position 1560, A replaced by G.
Protein change: p.Gln520=; no amino-acid change (glutamine 520 retained).
Molecular consequence: synonymous variant.
Genome position (GRCh38, 1-based): chr3:64,649,682, T>C on the plus strand (A>G on the coding strand, the complement: ADAMTS9 is on the minus strand). VCF-style: chr3-64649682-T-C. GRCh37 (hg19) VCF-style: chr3-64635358-T-C.
Other names: c.1476A>G, p.Gln492= (NM_001318781.2).
Identifiers: ClinVar variation 4985840 (VCV004985840.1).
Genomic context (GRCh38, chr3:64,649,682, plus strand): 5'-CCCTCCTACACTTACCATATATGGGCACACCTGAGAACCTGGTCCAAAAATCAATTCACA[T>C]TGTTTATTCACGTTGTAAAGGATGCCTGGCAGTTGGACAGGCAAAGGGTAGGGTCTGGAT-3'
Protein context (NP_891550.1, residues 510-530): LPGILYNVNK[Gln520=]CELIFGPGSQ